The following is an entry in ClinVar:

NM_001382567.1(STIM1):c.1634+167ACC[8]

Gene: STIM1 (stromal interaction molecule 1; plus strand). Cytogenetic location: 11p15.4.
Variant type: Microsatellite.
Coding change: c.1634+167ACC[8] on transcript NM_001382567.1 (MANE Select); eight copies in a row of the 3-base unit ACC starting at c.1634+167; the reference has seven copies in a row; one copy, 3 bases duplicated.
Molecular consequence: intron variant.
Genome position (GRCh38, 1-based): chr11:4,086,728-4,086,730, ACC duplicated; duplicating any 3 consecutive bases within chr11:4,086,710-4,086,730 gives the same sequence; the position shown is the placement nearest the transcript's 3' end. VCF-style (leftmost placement, unchanged base first): chr11-4086709-T-TACC. GRCh37 (hg19) VCF-style: chr11-4107939-T-TACC.
Other names: c.1708ACC[8], p.Thr576_Phe577insThr (NM_001277961.3); c.1486ACC[8], p.Thr502_Phe503insThr (NM_001382566.1); c.1319+167ACC[8] (NM_001382578.1, NM_001382575.1, NM_001382576.1 and 2 more transcripts); c.1052+167ACC[8] (NM_001382580.1, NM_001382581.1); c.1562+167ACC[8] (NM_001382568.1); c.1541+167ACC[8] (NM_001277962.2, NM_003156.4); c.1313+167ACC[8] (NM_001382570.1); c.1406+167ACC[8] (NM_001382569.1); and 1 more.
Identifiers: ClinVar variation 3572708 (VCV003572708.1).

ClinVar aggregate classification (germline): Uncertain significance (1 of 4 stars; one submission).

Submission:

GeneDx
Classification: Uncertain significance. Last evaluated: 2024-07-11. Review status: criteria provided, single submitter. Criteria: GeneDx Variant Classification Process June 2021. Collection method: clinical testing. Allele origin: germline. Affected: yes.
Comment: Reported using an alternate transcript of the gene; In-frame insertion of 1 amino acid in a repetitive region with no known function; Has not been previously published as pathogenic or benign to our knowledge